The following is an entry in ClinVar:

ClinVar aggregate classification (germline): Uncertain significance (1 of 4 stars; one submission).

Conditions:
Neuroblastoma, susceptibility to, 3. Also called: ALK-Related Neuroblastic Tumor Susceptibility. Identifiers: Orphanet 635, MedGen C2751681, MONDO:0013083, OMIM 613014.

Submission:

Labcorp Genetics (formerly Invitae), Labcorp
Classification: Uncertain significance for Neuroblastoma, susceptibility to, 3. Last evaluated: 2023-08-01. Review status: criteria provided, single submitter. Criteria: Invitae Variant Classification Sherloc (09022015). Collection method: clinical testing. Allele origin: germline.
Comment: In summary, the available evidence is currently insufficient to determine the role of this variant in disease. Therefore, it has been classified as a Variant of Uncertain Significance. Algorithms developed to predict the effect of missense changes on protein structure and function output the following: SIFT: "Not Available"; PolyPhen-2: "Probably Damaging"; Align-GVGD: "Not Available". The serine amino acid residue is found in multiple mammalian species, which suggests that this missense change does not adversely affect protein function. This variant has not been reported in the literature in individuals affected with ALK-related conditions. This variant is not present in population databases (gnomAD no frequency). This sequence change replaces alanine, which is neutral and non-polar, with serine, which is neutral and polar, at codon 421 of the ALK protein (p.Ala421Ser).

NM_004304.5(ALK):c.1261G>T (p.Ala421Ser)

Gene: ALK (ALK receptor tyrosine kinase; minus strand). Cytogenetic location: 2p23.2.
Variant type: single nucleotide variant.
Coding change: c.1261G>T on transcript NM_004304.5 (MANE Select); coding-DNA position 1261, G replaced by T.
Protein change: p.Ala421Ser; replaces alanine 421 with serine.
Molecular consequence: missense variant.
Genome position (GRCh38, 1-based): chr2:29,383,753, C>A on the plus strand (G>T on the coding strand, the complement: ALK is on the minus strand). VCF-style: chr2-29383753-C-A. GRCh37 (hg19) VCF-style: chr2-29606619-C-A.
Other names: short protein forms A421S.
Identifiers: ClinVar variation 2748924 (VCV002748924.3), dbSNP rs2148301460, ClinGen allele CA346585086.